The following is an entry in ClinVar:

NM_000382.3(ALDH3A2):c.909T>G (p.Gly303=)

Gene: ALDH3A2 (aldehyde dehydrogenase 3 family member A2; plus strand). Cytogenetic location: 17p11.2.
Variant type: single nucleotide variant.
Coding change: c.909T>G on transcript NM_000382.3 (MANE Select); coding-DNA position 909, T replaced by G.
Protein change: p.Gly303=; no amino-acid change (glycine 303 retained).
Molecular consequence: synonymous variant.
Genome position (GRCh38, 1-based): chr17:19,661,237, T>G. VCF-style: chr17-19661237-T-G. GRCh37 (hg19) VCF-style: chr17-19564550-T-G.
Other names: c.909T>G, p.Gly303= (NM_001031806.2, NM_001369136.1, NM_001369137.2 and 3 more transcripts); c.330T>G, p.Gly110= (NM_001369148.2).
Identifiers: ClinVar variation 438270 (VCV000438270.33), dbSNP rs755458255, ClinGen allele CA8442941.

ClinVar aggregate classification (germline): Likely benign. Review status: criteria provided, multiple submitters, no conflicts (2 of 4 stars). 2 submissions from 2 submitters: Likely benign (2). Last evaluated 2022-04-01.

Allele frequency attached by ClinVar (database versions not stated): gnomAD exomes below 0.00001 and 0.00001; TOPMed below 0.00001; ExAC 0.00001; gnomAD 0.00002.
gnomAD v4.1: 12 of 1,614,026 alleles (0.00074%); highest among the groups gnomAD compares: Non-Finnish European, 0.001%; no homozygotes.

Submissions (2):

CeGaT Center for Human Genetics Tuebingen
Classification: Likely benign. Last evaluated: 2022-04-01. Review status: criteria provided, single submitter. Criteria: CeGaT Center For Human Genetics Tuebingen Variant Classification Criteria Version 2. Collection method: clinical testing. Allele origin: germline. Affected: yes. Observed: 1 variant allele.
Comment: ALDH3A2: BP4, BP7

Women's Health and Genetics/Laboratory Corporation of America, LabCorp
Classification: Likely benign. Last evaluated: 2020-04-09. Review status: criteria provided, single submitter. Criteria: LabCorp Variant Classification Summary - May 2015. Collection method: clinical testing. Allele origin: germline.
Comment: Variant summary: ALDH3A2 c.909T>G alters a non-conserved nucleotide resulting in a synonymous change. 4/4 computational tools predict no significant impact on normal splicing. However, these predictions have yet to be confirmed by functional studies. The variant allele was found at a frequency of 4e-06 in 251428 control chromosomes (gnomAD). The available data on variant occurrences in the general population are insufficient to allow any conclusion about variant significance. To our knowledge, no occurrence of c.909T>G in singularity in individuals affected with Sjogren-Larsson Syndrome and no experimental evidence demonstrating its impact on protein function have been reported. However, c.909T>G has been reported in the literature as part of a common complex pathogenic allele c.[733G>A;901G>C;906delT;909T>G], in multiple individuals affected with Sjogren-Larsson Syndrome (e.g. Kariminejad_2018, Rizzo_1999). These reports do not provide unequivocal conclusions about association of the variant in singularity with Sjogren-Larsson Syndrome. No clinical diagnostic laboratories have submitted clinical-significance assessments for this variant to ClinVar after 2014. Based on the evidence outlined above, the variant was classified as likely benign.

Literature cited by the submitters: PubMed 10577908 (cited by Women's Health and Genetics/Laboratory Corporation of America, LabCorp); PubMed 29183715 (cited by Women's Health and Genetics/Laboratory Corporation of America, LabCorp).